The following is an entry in ClinVar:

ClinVar aggregate classification (germline): Benign/Likely benign. Review status: criteria provided, multiple submitters, no conflicts (2 of 4 stars). 3 submissions from 3 submitters: Benign (1); Likely benign (2). Last evaluated 2026-01-27.

Submissions (3):

Labcorp Genetics (formerly Invitae), Labcorp
Classification: Benign. Last evaluated: 2026-01-27. Review status: criteria provided, single submitter. Criteria: Invitae Variant Classification Sherloc (09022015). Collection method: clinical testing. Allele origin: germline.

Blueprint Genetics
Classification: Likely benign. Last evaluated: 2024-11-11. Review status: criteria provided, single submitter. Criteria: ACMG Guidelines, 2015. Collection method: clinical testing. Allele origin: germline.

CeGaT Center for Human Genetics Tuebingen
Classification: Likely benign. Last evaluated: 2024-10-01. Review status: criteria provided, single submitter. Criteria: CeGaT Center For Human Genetics Tuebingen Variant Classification Criteria Version 2. Collection method: clinical testing. Allele origin: germline. Affected: yes. Observed: 1 variant allele.
Comment: LAMA5: BS2

NM_005560.6(LAMA5):c.6165+6del

Gene: LAMA5 (laminin subunit alpha 5; minus strand). Cytogenetic location: 20q13.33.
Variant type: Deletion.
Coding change: c.6165+6del on transcript NM_005560.6 (MANE Select); 6 bases into the intron after coding-DNA position 6165, one base deleted (G; older notation c.6165+6delG).
Molecular consequence: intron variant.
Genome position (GRCh38, 1-based): chr20:62,322,652, C deleted on the plus strand (G on the coding strand, the reverse complement: LAMA5 is on the minus strand); the first of 3 consecutive C bases (chr20:62,322,652-62,322,654); deleting any one gives the same sequence. VCF-style (leftmost placement, unchanged base first): chr20-62322651-GC-G. GRCh37 (hg19) VCF-style: chr20-60897707-GC-G.
Identifiers: ClinVar variation 718306 (VCV000718306.23), dbSNP rs527650945, ClinGen allele CA9941869.
Genomic context (GRCh38, chr20:62,322,651, plus strand): 5'-TCTCCCCAGGCCCCAACTCTAGTCCCTAGGCCCCACCCACCCAGCCCTGCTTACCCCACA[GC>G]CCTACCTGGCAGCGGTCACAGCGCCGCCCAGTCACGCCCGCCTTGCACAGGCAGTGCCCG-3'